The following is an entry in ClinVar:

ClinVar aggregate classification (germline): Uncertain significance (1 of 4 stars; one submission).

Conditions:
Zellweger spectrum disorders (ZS). Also called: Zellweger Spectrum Disorder; Zellweger Spectrum; Zellweger syndrome; Zellweger Spectrum Disorder (ZSD). Identifiers: Orphanet 912, MedGen C0043459, MONDO:0019609.

Submission:

Labcorp Genetics (formerly Invitae), Labcorp
Classification: Uncertain significance for Zellweger spectrum disorders. Last evaluated: 2024-09-08. Review status: criteria provided, single submitter. Criteria: Invitae Variant Classification Sherloc (09022015). Collection method: clinical testing. Allele origin: germline.
Comment: This sequence change replaces glutamine, which is neutral and polar, with histidine, which is basic and polar, at codon 726 of the PEX1 protein (p.Gln726His). This variant is not present in population databases (gnomAD no frequency). This variant has not been reported in the literature in individuals affected with PEX1-related conditions. Invitae Evidence Modeling of protein sequence and biophysical properties (such as structural, functional, and spatial information, amino acid conservation, physicochemical variation, residue mobility, and thermodynamic stability) indicates that this missense variant is not expected to disrupt PEX1 protein function with a negative predictive value of 80%. In summary, the available evidence is currently insufficient to determine the role of this variant in disease. Therefore, it has been classified as a Variant of Uncertain Significance.

NM_000466.3(PEX1):c.2178A>C (p.Gln726His)

Gene: PEX1 (peroxisomal biogenesis factor 1; minus strand). Cytogenetic location: 7q21.2.
Variant type: single nucleotide variant.
Coding change: c.2178A>C on transcript NM_000466.3 (MANE Select); coding-DNA position 2178, A replaced by C.
Protein change: p.Gln726His; replaces glutamine 726 with histidine.
Molecular consequence: missense variant.
Genome position (GRCh38, 1-based): chr7:92,503,089, T>G on the plus strand (A>C on the coding strand, the complement: PEX1 is on the minus strand). VCF-style: chr7-92503089-T-G. GRCh37 (hg19) VCF-style: chr7-92132403-T-G.
Other names: c.2007A>C, p.Gln669His (NM_001282677.2); c.1554A>C, p.Gln518His (NM_001282678.2); short protein forms Q726H, Q518H, Q669H.
Identifiers: ClinVar variation 3661131 (VCV003661131.2).
Genomic context (GRCh38, chr7:92,503,089, plus strand): 5'-GTAGTGTATTACCTGATTAGGAGGCTGAATGTGTTGGACGCACTGAAATATGTGAACTCC[T>G]TGAGCAGAAACAAGTAAAGGATGTAGAGATTGCTGAGACTGACTTGTGGCAATCAGTGCA-3'
Protein context (NP_000457.1, residues 716-736): QSLHPLLVSA[Gln726His]GVHIFQCVQH